The following is an entry in ClinVar:

ClinVar aggregate classification (germline): Uncertain significance (1 of 4 stars; one submission).

Conditions:
Cardiovascular phenotype. Identifiers: MedGen CN230736.

gnomAD v4.1: 4 of 1,378,170 alleles (0.00029%); highest among the groups gnomAD compares: Non-Finnish European, 0.00038%; no homozygotes.

Submission:

Ambry Genetics
Classification: Uncertain significance for Cardiovascular phenotype. Last evaluated: 2024-11-17. Review status: criteria provided, single submitter. Criteria: Ambry Variant Classification Scheme 2023. Collection method: clinical testing. Allele origin: germline.
Comment: The p.D48N variant (also known as c.142G>A), located in coding exon 1 of the SNTA1 gene, results from a G to A substitution at nucleotide position 142. The aspartic acid at codon 48 is replaced by asparagine, an amino acid with highly similar properties. This amino acid position is conserved. In addition, this alteration is predicted to be tolerated by in silico analysis. Based on the available evidence, the clinical significance of this variant remains unclear.

NM_003098.3(SNTA1):c.142G>A (p.Asp48Asn)

Genes: SNTA1 (syntrophin alpha 1; minus strand), LOC130065680 (ATAC-STARR-seq lymphoblastoid silent region 12812; plus strand). Cytogenetic location: 20q11.21.
Variant type: single nucleotide variant.
Coding change: c.142G>A on transcript NM_003098.3 (MANE Select); coding-DNA position 142, G replaced by A.
Protein change: p.Asp48Asn; replaces aspartic acid 48 with asparagine.
Molecular consequence: missense variant.
Genome position (GRCh38, 1-based): chr20:33,443,479, C>T on the plus strand (G>A on the coding strand, the complement: SNTA1 is on the minus strand). VCF-style: chr20-33443479-C-T. GRCh37 (hg19) VCF-style: chr20-32031285-C-T.
Other names: c.142G>A, p.Asp48Asn (NM_001424413.1, NM_001424414.1); short protein forms D48N.
Identifiers: ClinVar variation 3446785 (VCV003446785.1).